The following is an entry in ClinVar:

ClinVar aggregate classification (germline): Likely pathogenic (1 of 4 stars; one submission).

Conditions:
Leber congenital amaurosis 8 (LCA8). Identifiers: Orphanet 65, MedGen C3151202, MONDO:0013453, OMIM 613835.
Retinitis pigmentosa 12 (RP12). Also called: RP WITH OR WITHOUT PRESERVED PARAARTERIOLE RETINAL PIGMENT EPITHELIUM; RETINITIS PIGMENTOSA WITH OR WITHOUT PARAARTERIOLAR PRESERVATION OF RETINAL PIGMENT EPITHELIUM; RP WITH OR WITHOUT PPRPE. Identifiers: Orphanet 791, MedGen C1838647, MONDO:0010818, OMIM 600105.

Allele frequency attached by ClinVar (database versions not stated): gnomAD exomes below 0.00001; ExAC 0.00001.
gnomAD v4.1: 2 of 1,611,748 alleles (0.00012%); highest among the groups gnomAD compares: Non-Finnish European, 0.00017%; no homozygotes.

Submission:

Labcorp Genetics (formerly Invitae), Labcorp
Classification: Likely pathogenic for Leber congenital amaurosis 8; Retinitis pigmentosa 12. Last evaluated: 2021-03-17. Review status: criteria provided, single submitter. Criteria: Invitae Variant Classification Sherloc (09022015). Collection method: clinical testing. Allele origin: germline.
Comment: In summary, the currently available evidence indicates that the variant is pathogenic, but additional data are needed to prove that conclusively. Therefore, this variant has been classified as Likely Pathogenic. Algorithms developed to predict the effect of sequence changes on RNA splicing suggest that this variant may disrupt the consensus splice site, but this prediction has not been confirmed by published transcriptional studies. Disruption of this splice site has been observed in individual(s) with Leber congenital amaurosis (PMID: 11389483). This variant is present in population databases (rs748927280, ExAC 0.002%). This sequence change affects a donor splice site in intron 10 of the CRB1 gene. It is expected to disrupt RNA splicing. Variants that disrupt the donor or acceptor splice site typically lead to a loss of protein function (PMID: 16199547), and loss-of-function variants in CRB1 are known to be pathogenic (PMID: 10508521, 22065545, 23379534, 25412400, 26957898, 28041643, 29391521).

Literature cited by the submitters: PubMed 11389483; PubMed 16199547; PubMed 10508521; PubMed 22065545; PubMed 23379534; PubMed 25412400; PubMed 26957898; PubMed 28041643; PubMed 29391521.

NM_201253.3(CRB1):c.3878+1G>A

Gene: CRB1 (crumbs cell polarity complex component 1; plus strand). Cytogenetic location: 1q31.3.
Variant type: single nucleotide variant.
Coding change: c.3878+1G>A on transcript NM_201253.3 (MANE Select); the canonical splice donor site of the intron after coding-DNA position 3878, G replaced by A.
Molecular consequence: splice donor variant.
Genome position (GRCh38, 1-based): chr1:197,438,676, G>A. VCF-style: chr1-197438676-G-A. GRCh37 (hg19) VCF-style: chr1-197407806-G-A.
Other names: c.3806+1G>A (NM_001257965.2); c.2270+1G>A (NM_001257966.2); c.3542+1G>A (NM_001193640.2).
Identifiers: ClinVar variation 1511792 (VCV001511792.8), dbSNP rs748927280, ClinGen allele CA1312422.